The following is an entry in ClinVar:

ClinVar aggregate classification (germline): Pathogenic/Likely pathogenic. Review status: criteria provided, multiple submitters, no conflicts (2 of 4 stars). 11 submissions from 11 submitters: Pathogenic (3); Likely pathogenic (6). 2 of the submissions do not count toward it. Last evaluated 2026-09-01.

Conditions:
SLC22A5-related disorder. Also called: SLC22A5-related condition.
Carnitine deficiency. Identifiers: MedGen C1142132.
Renal carnitine transport defect (CDSP). Also called: Carnitine Deficiency, Systemic; CARNITINE DEFICIENCY, SYSTEMIC, DUE TO DEFECT IN RENAL REABSORPTION OF CARNITINE; CARNITINE TRANSPORTER, PLASMA-MEMBRANE, DEFICIENCY OF; CARNITINE UPTAKE DEFECT; Systemic primary carnitine deficiency disease; Primary carnitine deficiency. Identifiers: Orphanet 158, MedGen C0342788, MONDO:0008919, OMIM 212140.

Allele frequency attached by ClinVar (database versions not stated): gnomAD 0.00001; gnomAD exomes 0.00001; TOPMed 0.00002.
gnomAD v4.1: 21 of 1,614,094 alleles (0.0013%); highest among the groups gnomAD compares: Non-Finnish European, 0.0015%; no homozygotes.

Submissions (11):

CeGaT Center for Human Genetics Tuebingen
Classification: Likely pathogenic. Last evaluated: 2026-09-01. Review status: criteria provided, single submitter. Criteria: CeGaT Center For Human Genetics Tuebingen Variant Classification Criteria Version 2. Collection method: clinical testing. Allele origin: germline. Affected: yes. Observed: 1 variant allele.
Comment: SLC22A5: PM2, PM3, PP3, PP4, PS3:Supporting

Labcorp Genetics (formerly Invitae), Labcorp
Classification: Pathogenic for Renal carnitine transport defect. Last evaluated: 2026-01-07. Review status: criteria provided, single submitter. Criteria: Invitae Variant Classification Sherloc (09022015). Collection method: clinical testing. Allele origin: germline.
Comment: This sequence change replaces tyrosine, which is neutral and polar, with cysteine, which is neutral and slightly polar, at codon 211 of the SLC22A5 protein (p.Tyr211Cys). This variant is present in population databases (rs121908888, gnomAD 0.003%). This missense change has been observed in individual(s) with primary carnitine deficiency (PMID: 10480371). ClinVar contains an entry for this variant (Variation ID: 6420). Invitae Evidence Modeling of protein sequence and biophysical properties (such as structural, functional, and spatial information, amino acid conservation, physicochemical variation, residue mobility, and thermodynamic stability) indicates that this missense variant is expected to disrupt SLC22A5 protein function with a positive predictive value of 95%. Experimental studies have shown that this missense change affects SLC22A5 function (PMID: 28841266). For these reasons, this variant has been classified as Pathogenic.

Natera, Inc.
Classification: Pathogenic for Carnitine deficiency. Last evaluated: 2025-05-12. Review status: criteria provided, single submitter. Criteria: Natera Variant Classification Schema (03/2026). Collection method: clinical testing. Allele origin: germline.
Comment: The c.632A>G variant in SLC22A5 is a missense variant predicted to cause substitution of tyrosine to cysteine at amino acid 211. This variant is rare in the general population with a frequency below the threshold expected for the associated phenotype(s). This variant has been observed in one or more individuals affected with the associated recessive disease, as either homozygous or compound heterozygous with a second variant (PMID: 10480371). This variant has been identified in one or more affected individuals with a phenotype highly consistent with the associated gene (PMID: 10480371). Functional studies show that this variant may disrupt protein function (PMID: 28841266). Computational prediction algorithms indicate this variant is likely to affect gene or protein function. Given the available evidence, this variant is classified as Pathogenic.

Fulgent Genetics
Classification: Likely pathogenic for Renal carnitine transport defect. Last evaluated: 2024-01-31. Review status: criteria provided, single submitter. Criteria: ACMG Guidelines, 2015. Collection method: clinical testing. Allele origin: germline.

GeneDx
Classification: Pathogenic. Last evaluated: 2023-09-19. Review status: criteria provided, single submitter. Criteria: GeneDx Variant Classification Process June 2021. Collection method: clinical testing. Allele origin: germline. Affected: yes.
Comment: Published functional studies found cells expressing the variant showed no carnitine transport activity compared to wild-type (Frigeni et al., 2017); In silico analysis supports that this missense variant has a deleterious effect on protein structure/function; Not observed at significant frequency in large population cohorts (gnomAD); This variant is associated with the following publications: (PMID: 26828774, 25087612, 23379544, 10480371, 28841266, 32778825)

Blueprint Genetics
Classification: Likely pathogenic for SLC22A5-related disorders. Last evaluated: 2022-06-03. Review status: criteria provided, single submitter. Criteria: ACMG Guidelines, 2015. Collection method: clinical testing. Allele origin: germline. Affected: yes. Observed: 3 variant alleles.

Department of Pathology and Laboratory Medicine, Sinai Health System
Classification: Likely pathogenic for Renal carnitine transport defect. Last evaluated: 2021-08-04. Review status: criteria provided, single submitter. Criteria: ACMG Guidelines, 2015. Collection method: research. Allele origin: germline.

Genome-Nilou Lab
Classification: Likely pathogenic for Renal carnitine transport defect. Last evaluated: 2021-07-15. Review status: criteria provided, single submitter. Criteria: ACMG Guidelines, 2015. Collection method: clinical testing. Allele origin: germline. Affected: no.

Eurofins Ntd Llc (ga)
Classification: Likely pathogenic. Last evaluated: 2016-02-01. Review status: criteria provided, single submitter. Criteria: EGL Classification Definitions 2015. Collection method: clinical testing. Allele origin: germline. Observed: 1 variant allele, 1 heterozygote.

Counsyl
Classification: Likely pathogenic for Renal carnitine transport defect. Last evaluated: 2015-12-29. Review status: no assertion criteria provided. Collection method: clinical testing. Allele origin: unknown. Not counted in ClinVar's aggregate classification.

OMIM
Classification: Pathogenic for CARNITINE DEFICIENCY, SYSTEMIC PRIMARY. Last evaluated: 1999-07-01. Review status: no assertion criteria provided. Collection method: literature only. Allele origin: germline. Not counted in ClinVar's aggregate classification.

Literature cited by the submitters: PubMed 10480371 (cited by 4 submitters); PubMed 28841266 (cited by Labcorp Genetics (formerly Invitae), Labcorp and Natera, Inc.); PubMed 3215194 (cited by OMIM); PubMed 2199596 (cited by OMIM).

NM_003060.4(SLC22A5):c.632A>G (p.Tyr211Cys)

Gene: SLC22A5 (solute carrier family 22 member 5; plus strand). Cytogenetic location: 5q31.1.
Variant type: single nucleotide variant.
Coding change: c.632A>G on transcript NM_003060.4 (MANE Select); coding-DNA position 632, A replaced by G.
Protein change: p.Tyr211Cys; replaces tyrosine 211 with cysteine.
Molecular consequence: missense variant.
Genome position (GRCh38, 1-based): chr5:132,384,281, A>G. VCF-style: chr5-132384281-A-G. GRCh37 (hg19) VCF-style: chr5-131719973-A-G.
Other names: p.Y211C:TAT>TGT; c.704A>G, p.Tyr235Cys (NM_001308122.2); short protein forms Y211C, Y235C.
Identifiers: ClinVar variation 6420 (VCV000006420.34), dbSNP rs121908888, ClinGen allele CA312941.
Genomic context (GRCh38, chr5:132,384,281, plus strand): 5'-AGAATTTTGAGATGTTTGTCGTGCTGTTTGTCCTTGTAGGCATGGGCCAGATCTCCAACT[A>G]TGTGGCAGCATTTGTCCTGGGTATGGCCATCAGGTTGGAGTTGAGTACTTGATCCTGTAT-3'
Protein context (NP_003051.1, residues 201-221): VLVGMGQISN[Tyr211Cys]VAAFVLGTEI